The following is an entry in ClinVar:

ClinVar aggregate classification (germline): Uncertain significance (1 of 4 stars; one submission).

Conditions:
Primary ciliary dyskinesia. Also called: Ciliary dyskinesia. Identifiers: Orphanet 244, MedGen C0008780, MONDO:0016575, HP:0012265.

gnomAD v4.1: 4 of 1,611,914 alleles (0.00025%); highest among the groups gnomAD compares: Admixed American, 0.0017%; no homozygotes.

Submission:

Labcorp Genetics (formerly Invitae), Labcorp
Classification: Uncertain significance for Primary ciliary dyskinesia. Last evaluated: 2024-08-13. Review status: criteria provided, single submitter. Criteria: Invitae Variant Classification Sherloc (09022015). Collection method: clinical testing. Allele origin: germline.
Comment: This sequence change replaces threonine, which is neutral and polar, with isoleucine, which is neutral and non-polar, at codon 593 of the RSPH4A protein (p.Thr593Ile). This variant is present in population databases (rs763773647, gnomAD 0.003%). This variant has not been reported in the literature in individuals affected with RSPH4A-related conditions. Invitae Evidence Modeling of protein sequence and biophysical properties (such as structural, functional, and spatial information, amino acid conservation, physicochemical variation, residue mobility, and thermodynamic stability) indicates that this missense variant is expected to disrupt RSPH4A protein function with a positive predictive value of 80%. In summary, the available evidence is currently insufficient to determine the role of this variant in disease. Therefore, it has been classified as a Variant of Uncertain Significance.

NM_001010892.3(RSPH4A):c.1778C>T (p.Thr593Ile)

Gene: RSPH4A (radial spoke head component 4A; plus strand). Cytogenetic location: 6q22.1.
Variant type: single nucleotide variant.
Coding change: c.1778C>T on transcript NM_001010892.3 (MANE Select); coding-DNA position 1778, C replaced by T.
Protein change: p.Thr593Ile; replaces threonine 593 with isoleucine.
Molecular consequence: missense variant. On other transcripts: intron variant (1).
Genome position (GRCh38, 1-based): chr6:116,629,682, C>T. VCF-style: chr6-116629682-C-T. GRCh37 (hg19) VCF-style: chr6-116950845-C-T.
Other names: c.1663-753C>T (NM_001161664.2); short protein forms T593I.
Identifiers: ClinVar variation 3712802 (VCV003712802.2).